The following is an entry in ClinVar:

ClinVar aggregate classification (germline): Likely benign (1 of 4 stars; one submission).

gnomAD v4.1: 1,013 of 1,613,730 alleles (0.063%); highest among the groups gnomAD compares: African/African-American, 0.59%; 9 homozygotes.

Submission:

CeGaT Center for Human Genetics Tuebingen
Classification: Likely benign. Last evaluated: 2025-03-01. Review status: criteria provided, single submitter. Criteria: CeGaT Center For Human Genetics Tuebingen Variant Classification Criteria Version 2. Collection method: clinical testing. Allele origin: germline. Affected: yes. Observed: 1 variant allele.
Comment: FLG: BP4, BS2

NM_002016.2(FLG):c.1450C>T (p.Arg484Trp)

Genes: CCDST (cervical cancer associated DHX9 suppressive transcript; plus strand), FLG (filaggrin; minus strand). Cytogenetic location: 1q21.3.
Variant type: single nucleotide variant.
Coding change: c.1450C>T on transcript NM_002016.2 (MANE Select); coding-DNA position 1450, C replaced by T.
Protein change: p.Arg484Trp; replaces arginine 484 with tryptophan.
Molecular consequence: missense variant.
Genome position (GRCh38, 1-based): chr1:152,313,436, G>A on the plus strand (C>T on the coding strand, the complement: FLG is on the minus strand). VCF-style: chr1-152313436-G-A. GRCh37 (hg19) VCF-style: chr1-152285912-G-A.
Other names: short protein forms R484W.
Identifiers: ClinVar variation 3777891 (VCV003777891.7).